The following is an entry in ClinVar:

ClinVar aggregate classification (germline): Uncertain significance. Review status: criteria provided, multiple submitters, no conflicts (2 of 4 stars). 3 submissions from 3 submitters: Uncertain significance (3). Last evaluated 2023-12-26.

Conditions:
Mitochondrial complex II deficiency, nuclear type 1. Also called: SUCCINATE CoQ REDUCTASE DEFICIENCY. Identifiers: Orphanet 3208, MedGen C5700310, MONDO:0100294, OMIM 252011.
Pheochromocytoma/paraganglioma syndrome 5. Also called: Paragangliomas 5; SDHA-Related Hereditary Paraganglioma-Pheochromocytoma Syndrome. Identifiers: Orphanet 29072, MedGen C3279992, MONDO:0013602, OMIM 614165.
Dilated cardiomyopathy 1GG (CMD1GG). Identifiers: Orphanet 154, MedGen C3150898, MONDO:0013339, OMIM 613642.
Hereditary cancer-predisposing syndrome. Also called: Neoplastic Syndromes, Hereditary; Hereditary Cancer Syndrome; Hereditary neoplastic syndrome; Tumor predisposition. Identifiers: Orphanet 140162, MedGen C0027672, MeSH D009386, MONDO:0015356.

Submissions (3):

Baylor Genetics
Classification: Uncertain significance for Dilated cardiomyopathy 1GG. Last evaluated: 2023-12-26. Review status: criteria provided, single submitter. Criteria: ACMG Guidelines, 2015. Collection method: clinical testing. Allele origin: unknown.

Ambry Genetics
Classification: Uncertain significance for Hereditary cancer-predisposing syndrome. Last evaluated: 2022-05-10. Review status: criteria provided, single submitter. Criteria: Ambry Variant Classification Scheme 2023. Collection method: clinical testing. Allele origin: germline.
Comment: The p.G544E variant (also known as c.1631G>A), located in coding exon 12 of the SDHA gene, results from a G to A substitution at nucleotide position 1631. The glycine at codon 544 is replaced by glutamic acid, an amino acid with similar properties. This amino acid position is conserved. In addition, this alteration is predicted to be tolerated by in silico analysis. Since supporting evidence is limited at this time, the clinical significance of this alteration remains unclear.

Labcorp Genetics (formerly Invitae), Labcorp
Classification: Uncertain significance for Pheochromocytoma/paraganglioma syndrome 5; Mitochondrial complex II deficiency, nuclear type 1. Last evaluated: 2021-05-13. Review status: criteria provided, single submitter. Criteria: Invitae Variant Classification Sherloc (09022015). Collection method: clinical testing. Allele origin: germline.
Comment: This sequence change replaces glycine with glutamic acid at codon 544 of the SDHA protein (p.Gly544Glu). The glycine residue is weakly conserved and there is a moderate physicochemical difference between glycine and glutamic acid. In summary, the available evidence is currently insufficient to determine the role of this variant in disease. Therefore, it has been classified as a Variant of Uncertain Significance. Advanced modeling of protein sequence and biophysical properties (such as structural, functional, and spatial information, amino acid conservation, physicochemical variation, residue mobility, and thermodynamic stability) performed at Invitae indicates that this missense variant is not expected to disrupt SDHA protein function. This variant has not been reported in the literature in individuals with SDHA-related conditions. This variant is not present in population databases (ExAC no frequency).

NM_004168.4(SDHA):c.1631G>A (p.Gly544Glu)

Gene: SDHA (succinate dehydrogenase complex flavoprotein subunit A; plus strand). Cytogenetic location: 5p15.33.
Variant type: single nucleotide variant.
Coding change: c.1631G>A on transcript NM_004168.4 (MANE Select); coding-DNA position 1631, G replaced by A.
Protein change: p.Gly544Glu; replaces glycine 544 with glutamic acid.
Molecular consequence: missense variant. On other transcripts: intron variant (1).
Genome position (GRCh38, 1-based): chr5:251,071, G>A. VCF-style: chr5-251071-G-A. GRCh37 (hg19) VCF-style: chr5-251186-G-A.
Other names: c.1487G>A, p.Gly496Glu (NM_001294332.2); c.1552-3322G>A (NM_001330758.2); short protein forms G496E, G544E.
Identifiers: ClinVar variation 1427373 (VCV001427373.11), dbSNP rs2126632293, ClinGen allele CA358998725.